The following is an entry in ClinVar:

ClinVar aggregate classification (germline): Uncertain significance. Review status: criteria provided, multiple submitters, no conflicts (2 of 4 stars). 2 submissions from 2 submitters: Uncertain significance (2). Last evaluated 2025-02-28.

Conditions:
Sialuria. Also called: SIALURIA, FRENCH TYPE; Sialic Acid Storage Disease. Identifiers: Orphanet 3166, MedGen C0342853, MONDO:0010028, OMIM 269921.
GNE myopathy (NM). Also called: NONAKA DISTAL MYOPATHY; MYOPATHY, DISTAL, WITH OR WITHOUT RIMMED VACUOLES; IBM 2; Inclusion body myopathy autosomal recessive; Inclusion body myopathy quadriceps sparing; INCLUSION BODY MYOPATHY, HEREDITARY, AUTOSOMAL RECESSIVE. Identifiers: Orphanet 602, MedGen C1853926, MONDO:0011603, OMIM 605820.
GNE-related disorder. Also called: GNE-related condition.

Submissions (2):

PreventionGenetics, part of Exact Sciences
Classification: Uncertain significance for GNE-related condition. Last evaluated: 2025-02-28. Review status: criteria provided, single submitter. Criteria: ACMG Guidelines, 2015. Collection method: clinical testing. Allele origin: germline.
Comment: The GNE c.346G>T variant is predicted to result in the amino acid substitution p.Val116Leu. To our knowledge, this variant has not been reported in the literature or in a large population database (gnomAD), indicating this variant is rare. At this time, the clinical significance of this variant is uncertain due to the absence of conclusive functional and genetic evidence.

Labcorp Genetics (formerly Invitae), Labcorp
Classification: Uncertain significance for Sialuria; GNE myopathy. Last evaluated: 2025-02-06. Review status: criteria provided, single submitter. Criteria: Invitae Variant Classification Sherloc (09022015). Collection method: clinical testing. Allele origin: germline.
Comment: This sequence change replaces valine, which is neutral and non-polar, with leucine, which is neutral and non-polar, at codon 116 of the GNE protein (p.Val116Leu). This variant is not present in population databases (gnomAD no frequency). This variant has not been reported in the literature in individuals affected with GNE-related conditions. Invitae Evidence Modeling of protein sequence and biophysical properties (such as structural, functional, and spatial information, amino acid conservation, physicochemical variation, residue mobility, and thermodynamic stability) has been performed for this missense variant. However, the output from this modeling did not meet the statistical confidence thresholds required to predict the impact of this variant on GNE protein function. In summary, the available evidence is currently insufficient to determine the role of this variant in disease. Therefore, it has been classified as a Variant of Uncertain Significance.

NM_005476.7(GNE):c.253G>T (p.Val85Leu)

Gene: GNE (glucosamine (UDP-N-acetyl)-2-epimerase/N-acetylmannosamine kinase; minus strand). Cytogenetic location: 9p13.3.
Variant type: single nucleotide variant.
Coding change: c.253G>T on transcript NM_005476.7 (MANE Select); coding-DNA position 253, G replaced by T.
Protein change: p.Val85Leu; replaces valine 85 with leucine.
Molecular consequence: missense variant.
Genome position (GRCh38, 1-based): chr9:36,246,394, C>A on the plus strand (G>T on the coding strand, the complement: GNE is on the minus strand). VCF-style: chr9-36246394-C-A. GRCh37 (hg19) VCF-style: chr9-36246391-C-A.
Other names: c.346G>T, p.Val116Leu (NM_001128227.3); c.253G>T, p.Val85Leu (NM_001190383.3, NM_001374797.1); c.76G>T, p.Val26Leu (NM_001190384.3, NM_001190388.2, NM_001374798.1); c.346G>T (NM_001128227.2); short protein forms V26L, V85L, V116L.
Identifiers: ClinVar variation 4785343 (VCV004785343.2).